The following is an entry in ClinVar:

NM_004999.4(MYO6):c.2692del (p.Glu898fs)

Gene: MYO6 (myosin VI; plus strand). Cytogenetic location: 6q14.1.
Variant type: Deletion.
Coding change: c.2692del on transcript NM_004999.4 (MANE Select); coding-DNA position 2692, one base deleted (G; older notation c.2692delG).
Protein change: p.Glu898fs; shifts the reading frame from glutamic acid 898.
Molecular consequence: frameshift variant. On other transcripts: non-coding transcript variant (1).
Genome position (GRCh38, 1-based): chr6:75,890,090, G deleted. VCF-style (leftmost placement, unchanged base first): chr6-75890089-AG-A. GRCh37 (hg19) VCF-style: chr6-76599806-AG-A.
Other names: c.2677del, p.Glu893fs (NM_001368138.1); c.2692del, p.Glu898fs (NM_001368865.1, NM_001368866.1, NM_001300899.2 and 2 more transcripts); short protein forms E893fs, E898fs.
Identifiers: ClinVar variation 2698497 (VCV002698497.3), dbSNP rs2535585052, ClinGen allele CA2697553566.
Genomic context (GRCh38, chr6:75,890,089, plus strand): 5'-ACGTACCTATTTATTTTATTTTTTAAAGTCCACTATGATGACGCAGGAACAAATCCAGAA[AG>A]AATATGATGCACTGGTTAAAAGCTCAGAGGAACTCCTCAGTGCATTACAGAAAAAAAAAC-3'

ClinVar aggregate classification (germline): Pathogenic (1 of 4 stars; one submission).

Submission:

Labcorp Genetics (formerly Invitae), Labcorp
Classification: Pathogenic. Last evaluated: 2024-01-19. Review status: criteria provided, single submitter. Criteria: Invitae Variant Classification Sherloc (09022015). Collection method: clinical testing. Allele origin: germline.
Comment: This sequence change creates a premature translational stop signal (p.Glu898Asnfs*29) in the MYO6 gene. It is expected to result in an absent or disrupted protein product. Loss-of-function variants in MYO6 are known to be pathogenic (PMID: 12687499, 18348273, 23767834, 25999546, 30582396). This variant is not present in population databases (gnomAD no frequency). This variant has not been reported in the literature in individuals affected with MYO6-related conditions. For these reasons, this variant has been classified as Pathogenic.

Literature cited by the submitters: PubMed 12687499; PubMed 18348273; PubMed 23767834; PubMed 25999546; PubMed 30582396.